The following is an entry in ClinVar:

NM_001082486.2(ACD):c.-22T>A

Gene: ACD (ACD shelterin complex subunit and telomerase recruitment factor; minus strand). Cytogenetic location: 16q22.1.
Variant type: single nucleotide variant.
Coding change: c.-22T>A on transcript NM_001082486.2 (MANE Select); 22 bases upstream of the start codon, T replaced by A.
Molecular consequence: 5 prime UTR variant.
Genome position (GRCh38, 1-based): chr16:67,660,242, A>T on the plus strand (T>A on the coding strand, the complement: ACD is on the minus strand). VCF-style: chr16-67660242-A-T. GRCh37 (hg19) VCF-style: chr16-67694145-A-T.
Other names: c.-22T>A (NM_001410884.1, NM_022914.3).
Identifiers: ClinVar variation 1790424 (VCV001790424.3), dbSNP rs2543611944, ClinGen allele CA396359299.

ClinVar aggregate classification (germline): Uncertain significance (1 of 4 stars; one submission).

Conditions:
Inborn genetic diseases. Identifiers: MedGen C0950123, MeSH D030342.

Allele frequency attached by ClinVar (database versions not stated): gnomAD exomes below 0.00001.

Submission:

Ambry Genetics
Classification: Uncertain significance for Inborn genetic diseases. Last evaluated: 2024-10-20. Review status: criteria provided, single submitter. Criteria: Ambry Variant Classification Scheme 2023. Collection method: clinical testing. Allele origin: germline.
Comment: The p.H79Q variant (also known as c.237T>A), located in coding exon 1 of the ACD gene, results from a T to A substitution at nucleotide position 237. The histidine at codon 79 is replaced by glutamine, an amino acid with highly similar properties. This amino acid position is conserved. In addition, this alteration is predicted to be tolerated by in silico analysis. Since supporting evidence is limited at this time, the clinical significance of this alteration remains unclear.